The following is an entry in ClinVar:

NM_020223.4(FAM20C):c.1651C>T (p.Arg551Cys)

Gene: FAM20C (FAM20C golgi associated secretory pathway kinase; plus strand). Cytogenetic location: 7p22.3.
Variant type: single nucleotide variant.
Coding change: c.1651C>T on transcript NM_020223.4 (MANE Select); coding-DNA position 1651, C replaced by T.
Protein change: p.Arg551Cys; replaces arginine 551 with cysteine.
Molecular consequence: missense variant.
Genome position (GRCh38, 1-based): chr7:259,876, C>T. VCF-style: chr7-259876-C-T. GRCh37 (hg19) VCF-style: chr7-299842-C-T.
Other names: c.1651C>T (NM_020223.2); short protein forms R551C.
Identifiers: ClinVar variation 1369846 (VCV001369846.6), dbSNP rs772938056, ClinGen allele CA4109211.

ClinVar aggregate classification (germline): Uncertain significance. Review status: criteria provided, multiple submitters, no conflicts (2 of 4 stars). 3 submissions from 3 submitters: Uncertain significance (3). Last evaluated 2022-11-10.

Conditions:
Inborn genetic diseases. Identifiers: MedGen C0950123, MeSH D030342.
Lethal osteosclerotic bone dysplasia (RNS). Also called: Osteomalacia, sclerosing, with cerebral calcification. Identifiers: Orphanet 1832, MedGen C1850106, MONDO:0009821, OMIM 259775.

Allele frequency attached by ClinVar (database versions not stated): TOPMed 0.00001; gnomAD 0.00002; gnomAD exomes 0.00002 and 0.00003; ExAC 0.00006.
gnomAD v4.1: 32 of 1,536,226 alleles (0.0021%); highest among the groups gnomAD compares: South Asian, 0.0083%; no homozygotes.

Submissions (3):

Ambry Genetics
Classification: Uncertain significance for Inborn genetic diseases. Last evaluated: 2022-11-10. Review status: criteria provided, single submitter. Criteria: Ambry Variant Classification Scheme 2023. Collection method: clinical testing. Allele origin: germline.

Labcorp Genetics (formerly Invitae), Labcorp
Classification: Uncertain significance. Last evaluated: 2021-12-31. Review status: criteria provided, single submitter. Criteria: Invitae Variant Classification Sherloc (09022015). Collection method: clinical testing. Allele origin: germline.
Comment: This sequence change replaces arginine, which is basic and polar, with cysteine, which is neutral and slightly polar, at codon 551 of the FAM20C protein (p.Arg551Cys). This variant is present in population databases (rs772938056, gnomAD 0.01%). This variant has not been reported in the literature in individuals affected with FAM20C-related conditions. Algorithms developed to predict the effect of missense changes on protein structure and function are either unavailable or do not agree on the potential impact of this missense change (SIFT: "Deleterious"; PolyPhen-2: "Probably Damaging"; Align-GVGD: "Class C15"). In summary, the available evidence is currently insufficient to determine the role of this variant in disease. Therefore, it has been classified as a Variant of Uncertain Significance.

Revvity Omics, Revvity
Classification: Uncertain significance for Lethal osteosclerotic bone dysplasia. Last evaluated: 2021-05-25. Review status: criteria provided, single submitter. Criteria: ACMG Guidelines, 2015. Collection method: clinical testing. Allele origin: germline.